The following is an entry in ClinVar:

NM_001609.4(ACADSB):c.1128+25_1128+26del

Gene: ACADSB (acyl-CoA dehydrogenase short/branched chain; plus strand). Cytogenetic location: 10q26.13.
Variant type: Deletion.
Coding change: c.1128+25_1128+26del on transcript NM_001609.4 (MANE Select); bases 25 to 26 of the intron after coding-DNA position 1128, 2 bases deleted (AA; older notation c.1128+25_1128+26delAA).
Molecular consequence: intron variant.
Genome position (GRCh38, 1-based): chr10:123,051,211-123,051,212, AA deleted; deleting any 2 consecutive bases within chr10:123,051,189-123,051,212 gives the same sequence; the c. name uses the placement nearest the transcript's 3' end. VCF-style (leftmost placement, unchanged base first): chr10-123051188-TAA-T. GRCh37 (hg19) VCF-style: chr10-124810704-TAA-T.
Other names: p.?; c.822+25_822+26del (NM_001330174.3).
Identifiers: ClinVar variation 2883237 (VCV002883237.6), dbSNP rs10571424, ClinGen allele CA215170715.

ClinVar aggregate classification (germline): Benign/Likely benign. Review status: criteria provided, multiple submitters, no conflicts (2 of 4 stars). 4 submissions from 4 submitters: Benign (1); Likely benign (3). Last evaluated 2026-01-16.

Conditions:
Deficiency of 2-methylbutyryl-CoA dehydrogenase (ACADSB). Also called: 2-methylbutyryl-CoA dehydrogenase deficiency; SBCAD deficiency; 2-methylbutyric aciduria; Short branched-chain acyl-CoA dehydrogenase deficiency; 2-methylbutyrylglycinuria. Identifiers: Orphanet 79157, MedGen C1864912, MONDO:0012392, OMIM 610006, HP:0020147.

Submissions (4):

Labcorp Genetics (formerly Invitae), Labcorp
Classification: Benign for Deficiency of 2-methylbutyryl-CoA dehydrogenase. Last evaluated: 2026-01-16. Review status: criteria provided, single submitter. Criteria: Invitae Variant Classification Sherloc (09022015). Collection method: clinical testing. Allele origin: germline.

Mayo Clinic Laboratories, Mayo Clinic
Classification: Likely benign. Last evaluated: 2025-05-20. Review status: criteria provided, single submitter. Criteria: ACMG Guidelines, 2015. Collection method: clinical testing. Allele origin: germline. Observed: 12 variant alleles.
Comment: BP4, BP7

Laboratory of Genetics, Children's Clinical University Hospital Latvia
Classification: Likely benign. Last evaluated: 2025-02-16. Review status: criteria provided, single submitter. Criteria: ACMG Guidelines, 2015. Collection method: clinical testing. Allele origin: germline. Affected: yes.

Blueprint Genetics
Classification: Likely benign. Last evaluated: 2024-11-27. Review status: criteria provided, single submitter. Criteria: ACMG Guidelines, 2015. Collection method: clinical testing. Allele origin: germline.